The following is an entry in ClinVar:

NM_001035.3(RYR2):c.1615G>A (p.Ala539Thr)

Gene: RYR2 (ryanodine receptor 2; plus strand). Cytogenetic location: 1q43.
Variant type: single nucleotide variant.
Coding change: c.1615G>A on transcript NM_001035.3 (MANE Select); coding-DNA position 1615, G replaced by A.
Protein change: p.Ala539Thr; replaces alanine 539 with threonine.
Molecular consequence: missense variant.
Genome position (GRCh38, 1-based): chr1:237,469,094, G>A. VCF-style: chr1-237469094-G-A. GRCh37 (hg19) VCF-style: chr1-237632394-G-A.
Other names: short protein forms A539T.
Identifiers: ClinVar variation 1517951 (VCV001517951.7), dbSNP rs2150301097, ClinGen allele CA345383572.

ClinVar aggregate classification (germline): Uncertain significance (1 of 4 stars; one submission).

Conditions:
Catecholaminergic polymorphic ventricular tachycardia 1. Also called: RYR2-Related Catecholaminergic Polymorphic Ventricular Tachycardia; VENTRICULAR TACHYCARDIA, STRESS-INDUCED POLYMORPHIC 1; VENTRICULAR TACHYCARDIA, CATECHOLAMINERGIC POLYMORPHIC, 1, WITH OR WITHOUT ATRIAL DYSFUNCTION AND/OR DILATED CARDIOMYOPATHY. Identifiers: Orphanet 3286, MedGen C1631597, MONDO:0011484, OMIM 604772.

gnomAD v4.1: 2 of 1,612,128 alleles (0.00012%); highest among the groups gnomAD compares: African/African-American, 0.0013%; no homozygotes.

Submission:

Labcorp Genetics (formerly Invitae), Labcorp
Classification: Uncertain significance for Catecholaminergic polymorphic ventricular tachycardia 1. Last evaluated: 2024-10-22. Review status: criteria provided, single submitter. Criteria: Invitae Variant Classification Sherloc (09022015). Collection method: clinical testing. Allele origin: germline.
Comment: This sequence change replaces alanine, which is neutral and non-polar, with threonine, which is neutral and polar, at codon 539 of the RYR2 protein (p.Ala539Thr). This variant is not present in population databases (gnomAD no frequency). This variant has not been reported in the literature in individuals affected with RYR2-related conditions. ClinVar contains an entry for this variant (Variation ID: 1517951). An algorithm developed to predict the effect of missense changes on protein structure and function (PolyPhen-2) suggests that this variant is likely to be disruptive. In summary, the available evidence is currently insufficient to determine the role of this variant in disease. Therefore, it has been classified as a Variant of Uncertain Significance.